The following is an entry in ClinVar:

ClinVar aggregate classification (germline): Uncertain significance. Review status: criteria provided, multiple submitters, no conflicts (2 of 4 stars). 2 submissions from 2 submitters: Uncertain significance (2). Last evaluated 2023-10-13.

Allele frequency attached by ClinVar (database versions not stated): TOPMed below 0.00001; ExAC 0.00001.
gnomAD v4.1: 12 of 1,613,926 alleles (0.00074%); highest among the groups gnomAD compares: Middle Eastern, 0.016%; no homozygotes.

Submissions (2):

Blueprint Genetics
Classification: Uncertain significance. Last evaluated: 2023-10-13. Review status: criteria provided, single submitter. Criteria: ACMG Guidelines, 2015. Collection method: clinical testing. Allele origin: germline.

Labcorp Genetics (formerly Invitae), Labcorp
Classification: Uncertain significance. Last evaluated: 2022-03-04. Review status: criteria provided, single submitter. Criteria: Invitae Variant Classification Sherloc (09022015). Collection method: clinical testing. Allele origin: germline.
Comment: In summary, the available evidence is currently insufficient to determine the role of this variant in disease. Therefore, it has been classified as a Variant of Uncertain Significance. Variants that disrupt the consensus splice site are a relatively common cause of aberrant splicing (PMID: 17576681, 9536098). Algorithms developed to predict the effect of sequence changes on RNA splicing suggest that this variant is not likely to affect RNA splicing. This variant has not been reported in the literature in individuals affected with TBXAS1-related conditions. This variant is present in population databases (rs775130622, gnomAD 0.003%). This sequence change affects codon 151 of the TBXAS1 mRNA. It is a 'silent' change, meaning that it does not change the encoded amino acid sequence of the TBXAS1 protein. This variant also falls at the last nucleotide of exon 5, which is part of the consensus splice site for this exon.

Literature cited by the submitters: PubMed 17576681 (cited by Labcorp Genetics (formerly Invitae), Labcorp); PubMed 9536098 (cited by Labcorp Genetics (formerly Invitae), Labcorp).

NM_001061.7(TBXAS1):c.450G>A (p.Glu150=)

Gene: TBXAS1 (thromboxane A synthase 1; plus strand). Cytogenetic location: 7q34.
Variant type: single nucleotide variant.
Coding change: c.450G>A on transcript NM_001061.7 (MANE Select); coding-DNA position 450, G replaced by A.
Protein change: p.Glu150=; no amino-acid change (glutamic acid 150 retained).
Molecular consequence: synonymous variant.
Genome position (GRCh38, 1-based): chr7:139,936,307, G>A. VCF-style: chr7-139936307-G-A. GRCh37 (hg19) VCF-style: chr7-139636106-G-A.
Other names: c.450G>A, p.Glu150= (NM_001130966.5, NM_001166253.4, NM_030984.6); c.249G>A, p.Glu83= (NM_001166254.4); c.393G>A, p.Glu131= (NM_001314028.4); c.267G>A, p.Glu89= (NM_001366537.3).
Identifiers: ClinVar variation 1934325 (VCV001934325.4), dbSNP rs775130622, ClinGen allele CA4511639.